The following is an entry in ClinVar:

ClinVar aggregate classification (germline): Uncertain significance (1 of 4 stars; one submission).

Submission:

Labcorp Genetics (formerly Invitae), Labcorp
Classification: Uncertain significance. Last evaluated: 2025-03-31. Review status: criteria provided, single submitter. Criteria: Invitae Variant Classification Sherloc (09022015). Collection method: clinical testing. Allele origin: germline.
Comment: This sequence change replaces tryptophan, which is neutral and slightly polar, with leucine, which is neutral and non-polar, at codon 1132 of the RP1 protein (p.Trp1132Leu). This variant is not present in population databases (gnomAD no frequency). This variant has not been reported in the literature in individuals affected with RP1-related conditions. An algorithm developed to predict the effect of missense changes on protein structure and function (PolyPhen-2) suggests that this variant is likely to be disruptive. In summary, the available evidence is currently insufficient to determine the role of this variant in disease. Therefore, it has been classified as a Variant of Uncertain Significance.

NM_006269.2(RP1):c.3395G>T (p.Trp1132Leu)

Gene: RP1 (RP1 axonemal microtubule associated; plus strand). Cytogenetic location: 8q12.1.
Variant type: single nucleotide variant.
Coding change: c.3395G>T on transcript NM_006269.2 (MANE Select); coding-DNA position 3395, G replaced by T.
Protein change: p.Trp1132Leu; replaces tryptophan 1132 with leucine.
Molecular consequence: missense variant. On other transcripts: intron variant (1).
Genome position (GRCh38, 1-based): chr8:54,627,277, G>T. VCF-style: chr8-54627277-G-T. GRCh37 (hg19) VCF-style: chr8-55539837-G-T.
Other names: c.787+4989G>T (NM_001375654.1); short protein forms W1132L.
Identifiers: ClinVar variation 3725409 (VCV003725409.2).